The following is an entry in ClinVar:

ClinVar aggregate classification (germline): Uncertain significance (1 of 4 stars; one submission).

gnomAD v4.1: 1 of 1,614,170 alleles (0.000062%); highest among the groups gnomAD compares: Admixed American, 0.0017%; no homozygotes.

Submission:

GeneDx
Classification: Uncertain significance. Last evaluated: 2025-02-26. Review status: criteria provided, single submitter. Criteria: GeneDx Variant Classification Process June 2021. Collection method: clinical testing. Allele origin: germline. Affected: yes.
Comment: Not observed at significant frequency in large population cohorts (gnomAD); In silico analysis indicates that this missense variant does not alter protein structure/function; Has not been previously published as pathogenic or benign to our knowledge

NM_006885.4(ZFHX3):c.10040C>T (p.Ala3347Val)

Genes: ZFHX3 (zinc finger homeobox 3; minus strand), ZFHX3-AS1 (ZFHX3 antisense RNA 1; plus strand). Cytogenetic location: 16q22.2.
Variant type: single nucleotide variant.
Coding change: c.10040C>T on transcript NM_006885.4 (MANE Select); coding-DNA position 10040, C replaced by T.
Protein change: p.Ala3347Val; replaces alanine 3347 with valine.
Molecular consequence: missense variant.
Genome position (GRCh38, 1-based): chr16:72,788,236, G>A on the plus strand (C>T on the coding strand, the complement: ZFHX3 is on the minus strand). VCF-style: chr16-72788236-G-A. GRCh37 (hg19) VCF-style: chr16-72822135-G-A.
Other names: c.7298C>T, p.Ala2433Val (NM_001164766.2); c.10040C>T, p.Ala3347Val (NM_001386735.1); short protein forms A2433V, A3347V.
Identifiers: ClinVar variation 4077273 (VCV004077273.1).
Genomic context (GRCh38, chr16:72,788,236, plus strand): 5'-TATTGCTGGTACTGCTGCAGTAGGGAGCCTGGGGACAGCCCCATCAGGGCCTGCGACAGT[G>A]CAGGGCTGTAGGGGAACAGGCCTTCCATGCCATACATAGGCTGCAGGTACCCGCTCTGCA-3'
Protein context (NP_008816.3, residues 3337-3357): GMEGLFPYSP[Ala3347Val]LSQALMGLSP